The following is an entry in ClinVar:

NM_000548.5(TSC2):c.2546-12C>T

Gene: TSC2 (TSC complex subunit 2; plus strand). Cytogenetic location: 16p13.3.
Variant type: single nucleotide variant.
Coding change: c.2546-12C>T on transcript NM_000548.5 (MANE Select); 12 bases into the intron before coding-DNA position 2546, C replaced by T.
Molecular consequence: intron variant.
Genome position (GRCh38, 1-based): chr16:2,075,787, C>T. VCF-style: chr16-2075787-C-T. GRCh37 (hg19) VCF-style: chr16-2125788-C-T.
Other names: c.2546-12C>T (NM_001114382.3, NM_021055.3, NM_001370405.1 and 4 more transcripts); c.2435-12C>T (NM_001318827.2); c.1946-12C>T (NM_001318831.2); c.2399-12C>T (NM_001318829.2); c.2579-12C>T (NM_001318832.2).
Identifiers: ClinVar variation 49214 (VCV000049214.43), dbSNP rs13331451, ClinGen allele CA017634.

ClinVar aggregate classification (germline): Benign. Review status: criteria provided, multiple submitters, no conflicts (2 of 4 stars). 17 submissions from 17 submitters: Benign (14). 3 of the submissions do not count toward it. Last evaluated 2026-02-04.

Conditions:
Tuberous sclerosis syndrome (TSC). Also called: Tuberous Sclerosis Complex; Tuberous sclerosis. Identifiers: Orphanet 805, MedGen C0041341, MONDO:0001734.
Tuberous sclerosis 2 (TSC2). Identifiers: Orphanet 805, MedGen C1860707, MONDO:0013199, OMIM 613254.

Allele frequency attached by ClinVar (database versions not stated): 1000 Genomes Project 30x 0.21346; gnomAD 0.21707 and 0.20521; ESP Exome Variant Server 0.22498; gnomAD exomes 0.09530; ExAC 0.10491; 1000 Genomes Project 0.20547; TOPMed 0.21828.
gnomAD v4.1: 147,835 of 1,611,716 alleles (9.2%); highest among the groups gnomAD compares: African/African-American, 55%; 15,696 homozygotes.

Submissions (17):

Labcorp Genetics (formerly Invitae), Labcorp
Classification: Benign for Tuberous sclerosis 2. Last evaluated: 2026-02-04. Review status: criteria provided, single submitter. Criteria: Invitae Variant Classification Sherloc (09022015). Collection method: clinical testing. Allele origin: germline.

ARUP Laboratories, Molecular Genetics and Genomics, ARUP Laboratories
Classification: Benign. Last evaluated: 2025-07-23. Review status: criteria provided, single submitter. Criteria: ARUP Molecular Germline Variant Investigation Process 2024. Collection method: clinical testing. Allele origin: germline.

Myriad Genetics, Inc.
Classification: Benign for Tuberous sclerosis 2. Last evaluated: 2025-05-20. Review status: criteria provided, single submitter. Criteria: Myriad Autosomal Dominant, Autosomal Recessive and X-Linked Classification Criteria (2023). Collection method: clinical testing. Allele origin: unknown.
Comment: This variant is considered benign. This variant is intronic and is not expected to impact mRNA splicing. This variant has been observed at a population frequency that is significantly greater than expected given the associated disease prevalence and penetrance.

Blueprint Genetics
Classification: Benign. Last evaluated: 2024-11-27. Review status: criteria provided, single submitter. Criteria: ACMG Guidelines, 2015. Collection method: clinical testing. Allele origin: germline.

All of Us Research Program, National Institutes of Health
Classification: Benign for Tuberous sclerosis syndrome. Last evaluated: 2024-10-03. Review status: criteria provided, single submitter. Criteria: ACMG Guidelines, 2015. Collection method: clinical testing. Allele origin: germline. Inheritance: Autosomal dominant inheritance. Observed: 26,551 variant alleles, 22,751 heterozygotes, 3,792 homozygotes, 8 hemizygotes.
Comment: This study involves interpretation of variants in research participants for the purpose of population health screening. Participant phenotype was not available at the time of variant classification. Additional details can be found in publication PMID: 35346344, PMCID: PMC8962531

KCCC/NGS Laboratory, Kuwait Cancer Control Center
Classification: Benign for Tuberous sclerosis 2. Last evaluated: 2023-07-07. Review status: criteria provided, single submitter. Criteria: ACMG Guidelines, 2015. Collection method: clinical testing. Allele origin: germline. Affected: yes.

Genome-Nilou Lab
Classification: Benign for Tuberous sclerosis 2. Last evaluated: 2021-11-07. Review status: criteria provided, single submitter. Criteria: ACMG Guidelines, 2015. Collection method: clinical testing. Allele origin: germline. Affected: no.

Color Diagnostics, LLC DBA Color Health
Classification: Benign for Tuberous sclerosis syndrome. Last evaluated: 2019-03-28. Review status: criteria provided, single submitter. Criteria: ACMG Guidelines, 2015. Collection method: clinical testing. Allele origin: germline.

Illumina Laboratory Services, Illumina
Classification: Benign for Tuberous sclerosis syndrome. Last evaluated: 2018-01-13. Review status: criteria provided, single submitter. Criteria: ICSL Variant Classification Criteria 13 December 2019. Collection method: clinical testing. Allele origin: germline.
Comment: This variant was observed in the ICSL laboratory as part of a predisposition screen in an ostensibly healthy population. It had not been previously curated by ICSL or reported in the Human Gene Mutation Database (HGMD: prior to June 1st, 2018), and was therefore a candidate for classification through an automated scoring system. Utilizing variant allele frequency, disease prevalence and penetrance estimates, and inheritance mode, an automated score was calculated to assess if this variant is too frequent to cause the disease. Based on the score and internal cut-off values, a variant classified as benign is not then subjected to further curation. The score for this variant resulted in a classification of benign for this disease.

GeneDx
Classification: Benign. Last evaluated: 2015-03-03. Review status: criteria provided, single submitter. Criteria: GeneDx Variant Classification Process June 2021. Collection method: clinical testing. Allele origin: germline. Affected: yes.

Eurofins Ntd Llc (ga)
Classification: Benign. Last evaluated: 2014-10-16. Review status: criteria provided, single submitter. Criteria: EGL Classification Definitions 2015. Collection method: clinical testing. Allele origin: germline. Observed: 1 variant allele, 1 heterozygote.

Laboratory for Molecular Medicine, Mass General Brigham Personalized Medicine
Classification: Benign. Last evaluated: 2013-02-21. Review status: criteria provided, single submitter. Criteria: LMM Criteria. Collection method: clinical testing. Allele origin: germline. Observed: 11 variant alleles.
Comment: 2546-12C>T in intron 22 of TSC2: This variant is not expected to have clinical s ignificance because it has been identified in 47.9% (2106/4396) of African Ameri can chromosomes from a broad population by the NHLBI Exome Sequencing Project (dbSNP rs13331451).

Breakthrough Genomics
Classification: Benign. Review status: criteria provided, single submitter. Criteria: ACMG Guidelines, 2015. Collection method: not provided. Allele origin: germline. Inheritance: Autosomal dominant inheritance. Affected: yes.

PreventionGenetics, part of Exact Sciences
Classification: Benign. Review status: criteria provided, single submitter. Criteria: ACMG Guidelines, 2015. Collection method: clinical testing. Allele origin: germline.

Clinical Genetics DNA and cytogenetics Diagnostics Lab, Erasmus MC, Erasmus Medical Center
Classification: Benign. Review status: no assertion criteria provided. Collection method: clinical testing. Allele origin: germline. Affected: yes. Study: VKGL Data-share Consensus. Not counted in ClinVar's aggregate classification.

Clinical Genetics, Academic Medical Center
Classification: Benign. Review status: no assertion criteria provided. Collection method: clinical testing. Allele origin: germline. Affected: yes. Study: VKGL Data-share Consensus. Not counted in ClinVar's aggregate classification.

Tuberous sclerosis database (TSC2)
No classification provided. Condition: TSC. Review status: no classification provided. Criteria: Tuberous Sclerosis Database Assertion Criteria 2015. Collection method: curation. Allele origin: germline. Affected: yes. Not counted in ClinVar's aggregate classification.